The following is an entry in ClinVar:

ClinVar aggregate classification (germline): Benign/Likely benign. Review status: criteria provided, multiple submitters, no conflicts (2 of 4 stars). 7 submissions from 7 submitters: Benign (6); Likely benign (1). Last evaluated 2026-02-03.

Conditions:
Primary ciliary dyskinesia. Also called: Ciliary dyskinesia. Identifiers: Orphanet 244, MedGen C0008780, MONDO:0016575, HP:0012265.
Primary ciliary dyskinesia 6. Also called: Primary Ciliary Dyskinesia 6: TXNDC3-Related Primary Ciliary Dyskinesia. Identifiers: Orphanet 244, MedGen C1970506, MONDO:0012571, OMIM 610852.

Allele frequency attached by ClinVar (database versions not stated): TOPMed 0.27743; gnomAD 0.28287 and 0.27628; ESP Exome Variant Server 0.28571; gnomAD exomes 0.22918 and 0.24069; ExAC 0.23022; 1000 Genomes Project 0.24521; 1000 Genomes Project 30x 0.25234.
gnomAD v4.1: 391,663 of 1,605,020 alleles (24%); highest among the groups gnomAD compares: African/African-American, 37%; 49,984 homozygotes.

Submissions (7):

Labcorp Genetics (formerly Invitae), Labcorp
Classification: Benign for Primary ciliary dyskinesia 6. Last evaluated: 2026-02-03. Review status: criteria provided, single submitter. Criteria: Invitae Variant Classification Sherloc (09022015). Collection method: clinical testing. Allele origin: germline.

Blueprint Genetics
Classification: Likely benign. Last evaluated: 2024-11-27. Review status: criteria provided, single submitter. Criteria: ACMG Guidelines, 2015. Collection method: clinical testing. Allele origin: germline.

Genome-Nilou Lab
Classification: Benign for Primary ciliary dyskinesia 6. Last evaluated: 2021-05-18. Review status: criteria provided, single submitter. Criteria: ACMG Guidelines, 2015. Collection method: clinical testing. Allele origin: germline. Affected: no.

GeneDx
Classification: Benign. Last evaluated: 2021-05-04. Review status: criteria provided, single submitter. Criteria: GeneDx Variant Classification Process June 2021. Collection method: clinical testing. Allele origin: germline. Affected: yes.

Ambry Genetics
Classification: Benign for Primary ciliary dyskinesia. Last evaluated: 2014-12-10. Review status: criteria provided, single submitter. Criteria: Ambry Variant Classification Scheme 2023. Collection method: clinical testing. Allele origin: germline.

Laboratory for Molecular Medicine, Mass General Brigham Personalized Medicine
Classification: Benign. Last evaluated: 2013-02-21. Review status: criteria provided, single submitter. Criteria: LMM Criteria. Collection method: clinical testing. Allele origin: germline. Observed: 39 variant alleles.
Comment: Asp59Asp in exon 5 of TXNDC3: This variant is not expected to have clinical sign ificance because it does not alter an amino acid residue and is not located with in the splice consensus sequence. It has been identified in 36.8% (1622/4406) of African American chromosomes from a broad population by the NHLBI Exome Sequenc ing Project (dbSNP rs2598044).

PreventionGenetics, part of Exact Sciences
Classification: Benign. Review status: criteria provided, single submitter. Criteria: ACMG Guidelines, 2015. Collection method: clinical testing. Allele origin: germline.

NM_016616.5(NME8):c.177C>T (p.Asp59=)

Gene: NME8 (NME/NM23 family member 8; plus strand). Cytogenetic location: 7p14.1.
Variant type: single nucleotide variant.
Coding change: c.177C>T on transcript NM_016616.5 (MANE Select); coding-DNA position 177, C replaced by T.
Protein change: p.Asp59=; no amino-acid change (aspartic acid 59 retained).
Molecular consequence: synonymous variant.
Genome position (GRCh38, 1-based): chr7:37,850,714, C>T. VCF-style: chr7-37850714-C-T. GRCh37 (hg19) VCF-style: chr7-37890316-C-T.
Identifiers: ClinVar variation 164799 (VCV000164799.24), dbSNP rs2598044, ClinGen allele CA177500.